The following is an entry in ClinVar:

NM_000329.3(RPE65):c.55del (p.Val19fs)

Gene: RPE65 (retinoid isomerohydrolase RPE65; minus strand). Cytogenetic location: 1p31.3.
Variant type: Deletion.
Coding change: c.55del on transcript NM_000329.3 (MANE Select); coding-DNA position 55, one base deleted (G; older notation c.55delG).
Protein change: p.Val19fs; shifts the reading frame from valine 19.
Molecular consequence: frameshift variant. On other transcripts: 5 prime UTR variant (1), intron variant (1).
Genome position (GRCh38, 1-based): chr1:68,448,663, C deleted on the plus strand (G on the coding strand, the reverse complement: RPE65 is on the minus strand). VCF-style (leftmost placement, unchanged base first): chr1-68448662-AC-A. GRCh37 (hg19) VCF-style: chr1-68914345-AC-A.
Other names: c.55del, p.Val19fs (NM_001406853.1, NM_001406859.1, NM_001406860.1); c.-71del (NM_001406856.1); c.-183+1232del (NM_001406857.1); short protein forms V19fs.
Identifiers: ClinVar variation 5013070 (VCV005013070.1).

ClinVar aggregate classification (germline): Pathogenic (1 of 4 stars; one submission).

Conditions:
RPE65-related recessive retinopathy. Also called: Recessive RPE65 retinopathy. Identifiers: MedGen CN305526, MONDO:0100368.

Submission:

Myriad Genetics, Inc.
Classification: Pathogenic for RPE65-related recessive retinopathy. Last evaluated: 2024-05-18. Review status: criteria provided, single submitter. Criteria: Myriad Autosomal Dominant, Autosomal Recessive and X-Linked Classification Criteria (2023). Collection method: clinical testing. Allele origin: unknown.
Comment: NM_000329.2(RPE65):c.55delG(V19Wfs*12) is expected to be pathogenic in the context of inherited retinal dystrophy, RPE65-related. This variant is predicted to lead to an abnormal or absent protein product due to the creation of a premature termination codon in RPE65, a gene where loss-of-function variants are known to be pathogenic. Please note: this variant was assessed in the context of healthy population screening.